The following is an entry in ClinVar:

ClinVar aggregate classification (germline): Pathogenic (3 of 4 stars; one submission).

Conditions:
RPE65-related recessive retinopathy. Also called: Recessive RPE65 retinopathy. Identifiers: MedGen CN305526, MONDO:0100368.

Submission:

ClinGen Leber Congenital Amaurosis/early Onset Retinal Dystrophy Variant Curation Expert Panel, ClinGen
Classification: Pathogenic for RPE65-related recessive retinopathy. Last evaluated: 2024-04-22. Review status: reviewed by expert panel. Criteria: ClinGen LCAeoRD ACMG Specifications RPE65 V1.0.0. Collection method: curation. Allele origin: germline. Inheritance: Autosomal recessive inheritance.
Comment: NM_000329.3(RPE65):c.1-1602del is an in-frame deletion of exons 1-13 and the initial codon of exon 14 and is predicted not to result in the gene product, in a gene where loss-of-function is an established mechanism of disease (PVS1). This variant is absent from gnomAD v2.1.1 (PM2_Supporting). In summary, this variant meets the criteria to be classified as pathogenic for RPE65-related recessive retinopathy based on the ACMG/AMP criteria applied, as specified by the ClinGen LCA/eoRD VCEP: PVS1, PS2_Supporting, and PM2_Supporting. (VCEP specifications version 1.0.0; date of approval 09/21/2023).

NC_000001.11:g.68429777_68449906del

Gene: RPE65 (retinoid isomerohydrolase RPE65; minus strand). Cytogenetic location: 1p31.3.
Variant type: Deletion.
Identifiers: ClinVar variation 3255517 (VCV003255517.2).